The following is an entry in ClinVar:

NM_000518.5(HBB):c.-29G>A

Genes: HBB (hemoglobin subunit beta; minus strand), LOC106099062 (HBB recombination region; plus strand), LOC107133510 (origin of replication at HBB; plus strand). Cytogenetic location: 11p15.4.
Variant type: single nucleotide variant.
Coding change: c.-29G>A on transcript NM_000518.5 (MANE Select); 29 bases upstream of the start codon, G replaced by A.
Molecular consequence: 5 prime UTR variant.
Genome position (GRCh38, 1-based): chr11:5,227,050, C>T on the plus strand (G>A on the coding strand, the complement: HBB is on the minus strand). VCF-style: chr11-5227050-C-T. GRCh37 (hg19) VCF-style: chr11-5248280-C-T.
Other names: +22G>A.
Identifiers: ClinVar variation 393702 (VCV000393702.19), dbSNP rs34704828, ClinGen allele CA16609385.

ClinVar aggregate classification (germline): Pathogenic. Review status: criteria provided, multiple submitters, no conflicts (2 of 4 stars). 7 submissions from 7 submitters: Pathogenic (5). 2 of the submissions do not count toward it. Last evaluated 2025-07-29.

Conditions:
Hemoglobinopathy. Also called: Haemoglobinopathies; Hemoglobin disorder. Identifiers: MedGen C0019045, MONDO:0044348.
beta Thalassemia (BTHAL). Also called: Cooley's anemia; Erythroblastic anemia; Mediterranean anemia. Identifiers: Orphanet 848, MedGen C0005283, MONDO:0019402. Disease mechanism: loss of function.

Allele frequency attached by ClinVar (database versions not stated): gnomAD exomes below 0.00001.

Submissions (7):

ARUP Laboratories, Molecular Genetics and Genomics, ARUP Laboratories
Classification: Pathogenic. Last evaluated: 2025-07-29. Review status: criteria provided, single submitter. Criteria: ARUP Molecular Germline Variant Investigation Process 2024. Collection method: clinical testing. Allele origin: germline.
Comment: The HBB c.-29G>A variant, (also known as 5’UTR +22 (G->A), rs34704828, HbVar ID: 772) is a pathogenic variant associated with beta+ thalassemia (see HbVar database and references within, Cai 1992, Najmabadi 2002). Expression analyses found that this variant decreases transcription by half (Lewis 2000). This variant is reported in ClinVar (Variation ID: 393702) and is only observed on one allele in the Genome Aggregation Database, indicating it is not a common polymorphism. Based on available information, this variant is considered to be pathogenic. References: Link to HbVar database: Cai SP et al. Two novel beta-thalassemia mutations in the 5' and 3' noncoding regions of the beta-globin gene. Blood. 1992 Mar 1;79(5):1342-6. PMID: 1536956. Lewis BA et al. A downstream element in the human beta-globin promoter: evidence of extended sequence-specific transcription factor IID contacts. Proc Natl Acad Sci USA. 2000 Jun 20;97(13):7172-7. PMID: 10840054. Najmabadi H et al. Rare and unexpected mutations among Iranian beta-thalassemia patients and prenatal samples discovered by reverse-hybridization and DNA sequencing. Haematologica. 2002 Oct;87(10):1113-4. PMID: 12368169.

CeGaT Center for Human Genetics Tuebingen
Classification: Pathogenic. Last evaluated: 2025-03-01. Review status: criteria provided, single submitter. Criteria: CeGaT Center For Human Genetics Tuebingen Variant Classification Criteria Version 2. Collection method: clinical testing. Allele origin: germline. Affected: yes. Observed: 1 variant allele.
Comment: HBB: PM3:Very Strong, PM2

Natera, Inc.
Classification: Pathogenic for Beta thalassemia. Last evaluated: 2024-07-22. Review status: criteria provided, single submitter. Criteria: Natera Variant Classification Schema (03/2026). Collection method: clinical testing. Allele origin: germline.
Comment: The c.-29G>A variant in HBB is a 5' untranslated region (UTR) variant located upstream of the translation start codon. This variant is rare in the general population with a frequency below the threshold expected for the associated phenotype(s). This variant has been observed in one or more individuals affected with the associated recessive disease, as either homozygous or compound heterozygous with a second variant (PMID: 29405650, 1536956, 1717406). Additionally, this variant has been observed to segregate in affected family members (PMID: 1717406). Given the available evidence, this variant is classified as Pathogenic.

Labcorp Genetics (formerly Invitae), Labcorp
Classification: Pathogenic. Last evaluated: 2022-12-09. Review status: criteria provided, single submitter. Criteria: Invitae Variant Classification Sherloc (09022015). Collection method: clinical testing. Allele origin: germline.
Comment: Algorithms developed to predict the effect of variants on protein structure and function are not available or were not evaluated for this variant. This variant occurs in a non-coding region of the HBB gene. It does not change the encoded amino acid sequence of the HBB protein. This variant is not present in population databases (gnomAD no frequency). This variant has been observed in individuals with autosomal recessive beta thalassemia (PMID: 1536956, 1717406, 14734204). This variant is also known as +22 G>A 3' to the Cap site. ClinVar contains an entry for this variant (Variation ID: 393702). Experimental studies have shown that this variant affects HBB function (PMID: 10840054, 31395865). For these reasons, this variant has been classified as Pathogenic.

Women's Health and Genetics/Laboratory Corporation of America, LabCorp
Classification: Pathogenic for Hemoglobinopathy. Last evaluated: 2018-05-30. Review status: criteria provided, single submitter. Criteria: LabCorp Variant Classification Summary - May 2015. Collection method: clinical testing. Allele origin: germline.
Comment: Variant summary: HBB c.-29G>A is located in the untranslated mRNA region 29 nucleotides upstream of the initiation codon. The variant was absent in 245460 control chromosomes. c.-29G>A has been reported in the literature in multiple individuals affected with Beta Thalassemia, including homozygous and compound heterozygous individuals with Beta Thalassemia major and intermedia. These data indicate that the variant is very likely to be associated with disease. One publication reports in vitro evidence suggesting that the variant mildly reduces transcription (58% of normal transcription) and is consistent with a mild Beta Thalassemia phenotype (Lewis_2000). One reputable database has submitted clinical-significance assessments for this variant to ClinVar after 2014 without evidence for independent evaluation and classified the variant as pathogenic. Based on the evidence outlined above, the variant was classified as pathogenic.

Molecular Genetics Laboratory, BC Children's and BC Women's Hospitals
Classification: Pathogenic for beta Thalassemia. Last evaluated: 2025-05-01. Review status: no assertion criteria provided. Criteria: ACMG Guidelines, 2015. Collection method: clinical testing. Allele origin: germline. Affected: yes. Not counted in ClinVar's aggregate classification.

GeneReviews
No classification provided. Condition: beta Thalassemia. Review status: no classification provided. Collection method: literature only. Allele origin: germline. Not counted in ClinVar's aggregate classification.

Literature cited by the submitters: PubMed 29405650 (cited by Natera, Inc.); PubMed 1536956 (cited by 3 submitters); PubMed 1717406 (cited by Natera, Inc. and Labcorp Genetics (formerly Invitae), Labcorp); PubMed 14734204 (cited by Labcorp Genetics (formerly Invitae), Labcorp and Women's Health and Genetics/Laboratory Corporation of America, LabCorp); PubMed 10840054 (cited by Labcorp Genetics (formerly Invitae), Labcorp and Women's Health and Genetics/Laboratory Corporation of America, LabCorp); PubMed 31395865 (cited by Labcorp Genetics (formerly Invitae), Labcorp); PubMed 20704537 (cited by Women's Health and Genetics/Laboratory Corporation of America, LabCorp); PubMed 12368169 (cited by Women's Health and Genetics/Laboratory Corporation of America, LabCorp); PubMed 15108284 (cited by Women's Health and Genetics/Laboratory Corporation of America, LabCorp); PubMed 11722417 (cited by Women's Health and Genetics/Laboratory Corporation of America, LabCorp); PubMed 9401495 (cited by Women's Health and Genetics/Laboratory Corporation of America, LabCorp); PubMed 11857746 (cited by Women's Health and Genetics/Laboratory Corporation of America, LabCorp); NCBI Bookshelf NBK1426 (cited by GeneReviews).